The following is an entry in ClinVar:

NM_013254.4(TBK1):c.2069T>G (p.Met690Arg)

Gene: TBK1 (TANK binding kinase 1; plus strand). Cytogenetic location: 12q14.2.
Variant type: single nucleotide variant.
Coding change: c.2069T>G on transcript NM_013254.4 (MANE Select); coding-DNA position 2069, T replaced by G.
Protein change: p.Met690Arg; replaces methionine 690 with arginine.
Molecular consequence: missense variant.
Genome position (GRCh38, 1-based): chr12:64,497,970, T>G. VCF-style: chr12-64497970-T-G. GRCh37 (hg19) VCF-style: chr12-64891750-T-G.
Other names: short protein forms M690R.
Identifiers: ClinVar variation 2006388 (VCV002006388.4), dbSNP rs1565825100, ClinGen allele CA385607342.

ClinVar aggregate classification (germline): Uncertain significance (1 of 4 stars; one submission).

Conditions:
Frontotemporal dementia and/or amyotrophic lateral sclerosis 4. Also called: FTDALS4. Identifiers: Orphanet 275872, MedGen C4225325, MONDO:0014641, OMIM 616439.

Submission:

Labcorp Genetics (formerly Invitae), Labcorp
Classification: Uncertain significance for Frontotemporal dementia and/or amyotrophic lateral sclerosis 4. Last evaluated: 2024-10-28. Review status: criteria provided, single submitter. Criteria: Invitae Variant Classification Sherloc (09022015). Collection method: clinical testing. Allele origin: germline.
Comment: This sequence change replaces methionine, which is neutral and non-polar, with arginine, which is basic and polar, at codon 690 of the TBK1 protein (p.Met690Arg). This variant is not present in population databases (gnomAD no frequency). This variant has not been reported in the literature in individuals affected with TBK1-related conditions. ClinVar contains an entry for this variant (Variation ID: 2006388). An algorithm developed to predict the effect of missense changes on protein structure and function (PolyPhen-2) suggests that this variant is likely to be disruptive. Algorithms developed to predict the effect of sequence changes on RNA splicing suggest that this variant may create or strengthen a splice site. In summary, the available evidence is currently insufficient to determine the role of this variant in disease. Therefore, it has been classified as a Variant of Uncertain Significance.